The following is an entry in ClinVar:

ClinVar aggregate classification (germline): Uncertain significance (1 of 4 stars; one submission).

Conditions:
PSKH1-related condition.

gnomAD v4.1: 11 of 1,614,018 alleles (0.00068%); highest among the groups gnomAD compares: African/African-American, 0.0027%; no homozygotes.

Submission:

PreventionGenetics, part of Exact Sciences
Classification: Uncertain significance for PSKH1-related condition. Last evaluated: 2026-01-26. Review status: criteria provided, single submitter. Criteria: ACMG Guidelines, 2015. Collection method: clinical testing. Allele origin: germline.
Comment: The PSKH1 c.434G>A variant is predicted to result in the amino acid substitution p.Arg145His. To our knowledge, this variant has not been reported in the literature. This variant is reported in 0.0062% of alleles in individuals of African descent in gnomAD. At this time, the clinical significance of this variant is uncertain due to the absence of conclusive functional and genetic evidence.

NM_006742.3(PSKH1):c.434G>A (p.Arg145His)

Gene: PSKH1 (protein serine kinase H1; plus strand). Cytogenetic location: 16q22.1.
Variant type: single nucleotide variant.
Coding change: c.434G>A on transcript NM_006742.3 (MANE Select); coding-DNA position 434, G replaced by A.
Protein change: p.Arg145His; replaces arginine 145 with histidine.
Molecular consequence: missense variant.
Genome position (GRCh38, 1-based): chr16:67,909,183, G>A. VCF-style: chr16-67909183-G-A. GRCh37 (hg19) VCF-style: chr16-67943086-G-A.
Other names: short protein forms R145H.
Identifiers: ClinVar variation 4994472 (VCV004994472.1).